The following is an entry in ClinVar:

NM_000540.3(RYR1):c.1663G>T (p.Ala555Ser)

Gene: RYR1 (ryanodine receptor 1; plus strand). Cytogenetic location: 19q13.2.
Variant type: single nucleotide variant.
Coding change: c.1663G>T on transcript NM_000540.3 (MANE Select); coding-DNA position 1663, G replaced by T.
Protein change: p.Ala555Ser; replaces alanine 555 with serine.
Molecular consequence: missense variant.
Genome position (GRCh38, 1-based): chr19:38,455,537, G>T. VCF-style: chr19-38455537-G-T. GRCh37 (hg19) VCF-style: chr19-38946177-G-T.
Other names: c.1663G>T, p.Ala555Ser (NM_001042723.2); short protein forms A555S.
Identifiers: ClinVar variation 1923333 (VCV001923333.2), dbSNP rs1225397962, ClinGen allele CA405690509.

ClinVar aggregate classification (germline): Uncertain significance (1 of 4 stars; one submission).

Conditions:
RYR1-related disorder. Also called: RYR1-related condition; RYR1-related disorders. Identifiers: MedGen CN239331.

Allele frequency attached by ClinVar (database versions not stated): gnomAD exomes below 0.00001.
gnomAD v4.1: 2 of 1,614,058 alleles (0.00012%); highest among the groups gnomAD compares: Non-Finnish European, 0.00017%; no homozygotes.

Submission:

Labcorp Genetics (formerly Invitae), Labcorp
Classification: Uncertain significance for RYR1-related disorder. Last evaluated: 2022-03-26. Review status: criteria provided, single submitter. Criteria: Invitae Variant Classification Sherloc (09022015). Collection method: clinical testing. Allele origin: germline.
Comment: This sequence change replaces alanine, which is neutral and non-polar, with serine, which is neutral and polar, at codon 555 of the RYR1 protein (p.Ala555Ser). This variant is not present in population databases (gnomAD no frequency). This variant has not been reported in the literature in individuals affected with RYR1-related conditions. Advanced modeling of protein sequence and biophysical properties (such as structural, functional, and spatial information, amino acid conservation, physicochemical variation, residue mobility, and thermodynamic stability) performed at Invitae indicates that this missense variant is not expected to disrupt RYR1 protein function. In summary, the available evidence is currently insufficient to determine the role of this variant in disease. Therefore, it has been classified as a Variant of Uncertain Significance.